The following is an entry in ClinVar:

NM_000493.4(COL10A1):c.150T>A (p.Ser50Arg)

Genes: NT5DC1 (5'-nucleotidase domain containing 1; plus strand), COL10A1 (collagen type X alpha 1 chain; minus strand). Cytogenetic location: 6q22.1.
Variant type: single nucleotide variant.
Coding change: c.150T>A on transcript NM_000493.4 (MANE Select); coding-DNA position 150, T replaced by A.
Protein change: p.Ser50Arg; replaces serine 50 with arginine.
Molecular consequence: missense variant. On other transcripts: intron variant (1).
Genome position (GRCh38, 1-based): chr6:116,125,343, A>T on the plus strand (T>A on the coding strand, the complement: COL10A1 is on the minus strand). VCF-style: chr6-116125343-A-T. GRCh37 (hg19) VCF-style: chr6-116446506-A-T.
Other names: c.150T>A, p.Ser50Arg (NM_001424106.1, NM_001424107.1); c.529+7398A>T (NM_152729.3); short protein forms S50R.
Identifiers: ClinVar variation 355113 (VCV000355113.49), dbSNP rs142411445, ClinGen allele CA3968486.

ClinVar aggregate classification (germline): Benign/Likely benign. Review status: criteria provided, multiple submitters, no conflicts (2 of 4 stars). 8 submissions from 8 submitters: Benign (3); Likely benign (2). 3 of the submissions do not count toward it. Last evaluated 2026-09-01.

Conditions:
Metaphyseal chondrodysplasia, Schmid type (MCDS). Also called: SPONDYLOMETAPHYSEAL DYSPLASIA, JAPANESE TYPE. Identifiers: Orphanet 174, MedGen C0265289, MONDO:0007983, OMIM 156500.
COL10A1-related disorder. Also called: COL10A1-related condition.

Allele frequency attached by ClinVar (database versions not stated): 1000 Genomes Project 30x 0.00109; 1000 Genomes Project 0.00140; gnomAD exomes 0.00384 and 0.00626; ExAC 0.00394; gnomAD 0.00425 and 0.00438; TOPMed 0.00432; ESP Exome Variant Server 0.00492.
gnomAD v4.1: 9,758 of 1,613,252 alleles (0.6%); highest among the groups gnomAD compares: Non-Finnish European, 0.76%; 57 homozygotes.

Submissions (8):

CeGaT Center for Human Genetics Tuebingen
Classification: Likely benign. Last evaluated: 2026-09-01. Review status: criteria provided, single submitter. Criteria: CeGaT Center For Human Genetics Tuebingen Variant Classification Criteria Version 2. Collection method: clinical testing. Allele origin: germline. Affected: yes. Observed: 4 variant alleles.
Comment: COL10A1: BP4, BS2

Women's Health and Genetics/Laboratory Corporation of America, LabCorp
Classification: Likely benign. Last evaluated: 2026-05-21. Review status: criteria provided, single submitter. Criteria: LabCorp Variant Classification Summary - May 2015. Collection method: clinical testing. Allele origin: germline.
Comment: Variant summary: COL10A1 c.150T>A (p.Ser50Arg) results in a non-conservative amino acid change in the encoded protein sequence. Algorithms developed to predict the effect of missense changes on protein structure and function are either unavailable or do not agree on the potential impact of this missense change. The variant allele was found at a frequency of 0.0038 in 251122 control chromosomes in the gnomAD database, including 11 homozygotes. The observed variant frequency exceeds the estimated maximal expected allele frequency for disease-causing variants in COL10A1. c.150T>A has been observed in individual(s) affected with familial cholesteatoma (Cardenas_2023). These report(s) do not provide unequivocal conclusions about association of the variant with disease. To our knowledge, no experimental evidence demonstrating an impact on protein function has been reported. The following publication has been ascertained in the context of this evaluation (PMID: 36920900). ClinVar contains an entry for this variant (Variation ID: 355113). Based on the evidence outlined above, the variant was classified as likely benign.

Labcorp Genetics (formerly Invitae), Labcorp
Classification: Benign. Last evaluated: 2026-01-22. Review status: criteria provided, single submitter. Criteria: Invitae Variant Classification Sherloc (09022015). Collection method: clinical testing. Allele origin: germline.

Illumina Laboratory Services, Illumina
Classification: Benign for Metaphyseal chondrodysplasia, Schmid type. Last evaluated: 2018-01-13. Review status: criteria provided, single submitter. Criteria: ICSL Variant Classification Criteria 13 December 2019. Collection method: clinical testing. Allele origin: germline.
Comment: This variant was observed in the ICSL laboratory as part of a predisposition screen in an ostensibly healthy population. It had not been previously curated by ICSL or reported in the Human Gene Mutation Database (HGMD: prior to June 1st, 2018), and was therefore a candidate for classification through an automated scoring system. Utilizing variant allele frequency, disease prevalence and penetrance estimates, and inheritance mode, an automated score was calculated to assess if this variant is too frequent to cause the disease. Based on the score and internal cut-off values, a variant classified as benign is not then subjected to further curation. The score for this variant resulted in a classification of benign for this disease.

Eurofins Ntd Llc (ga)
Classification: Benign. Last evaluated: 2017-06-15. Review status: criteria provided, single submitter. Criteria: EGL Classification Definitions 2015. Collection method: clinical testing. Allele origin: germline. Observed: 1 variant allele, 1 heterozygote.

PreventionGenetics, part of Exact Sciences
Classification: Likely benign for COL10A1-related condition. Last evaluated: 2022-09-12. Review status: no assertion criteria provided. Collection method: clinical testing. Allele origin: germline. Not counted in ClinVar's aggregate classification.
Comment: This variant is classified as likely benign based on ACMG/AMP sequence variant interpretation guidelines (Richards et al. 2015 PMID: 25741868, with internal and published modifications).

Clinical Genetics DNA and cytogenetics Diagnostics Lab, Erasmus MC, Erasmus Medical Center
Classification: Likely benign. Review status: no assertion criteria provided. Collection method: clinical testing. Allele origin: germline. Affected: yes. Study: VKGL Data-share Consensus. Not counted in ClinVar's aggregate classification.

Laboratory of Diagnostic Genome Analysis, Leiden University Medical Center (LUMC)
Classification: Likely benign. Review status: no assertion criteria provided. Collection method: clinical testing. Allele origin: germline. Affected: yes. Study: VKGL Data-share Consensus. Not counted in ClinVar's aggregate classification.

Literature cited by the submitters: PubMed 36920900 (cited by Women's Health and Genetics/Laboratory Corporation of America, LabCorp).